The following is an entry in ClinVar:

NM_004958.4(MTOR):c.7295T>C (p.Met2432Thr)

Gene: MTOR (mechanistic target of rapamycin kinase; minus strand). Cytogenetic location: 1p36.22.
Variant type: single nucleotide variant.
Coding change: c.7295T>C on transcript NM_004958.4 (MANE Select); coding-DNA position 7295, T replaced by C.
Protein change: p.Met2432Thr; replaces methionine 2432 with threonine.
Molecular consequence: missense variant.
Genome position (GRCh38, 1-based): chr1:11,114,323, A>G on the plus strand (T>C on the coding strand, the complement: MTOR is on the minus strand). VCF-style: chr1-11114323-A-G. GRCh37 (hg19) VCF-style: chr1-11174380-A-G.
Other names: c.7295T>C, p.Met2432Thr (NM_001386500.1); c.6047T>C, p.Met2016Thr (NM_001386501.1); short protein forms M2016T, M2432T.
Identifiers: ClinVar variation 3766176 (VCV003766176.1).

ClinVar aggregate classification (germline): Uncertain significance (1 of 4 stars; one submission).

Submission:

GeneDx
Classification: Uncertain significance. Last evaluated: 2024-08-26. Review status: criteria provided, single submitter. Criteria: GeneDx Variant Classification Process June 2021. Collection method: clinical testing. Allele origin: germline. Affected: yes.
Comment: Not observed at significant frequency in large population cohorts (gnomAD); In silico analysis supports that this missense variant has a deleterious effect on protein structure/function; Has not been previously published as pathogenic or benign to our knowledge